The following is an entry in ClinVar:

NM_030582.4(COL18A1):c.3354CGGCCCCCC[1] (p.1118PGP[2])

Genes: COL18A1 (collagen type XVIII alpha 1 chain; plus strand), SLC19A1 (solute carrier family 19 member 1; minus strand). Cytogenetic location: 21q22.3.
Variant type: Microsatellite.
Coding change: c.3354CGGCCCCCC[1] on transcript NM_030582.4; one copy of the 9-base unit CGGCCCCCC starting at c.3354; the reference has two copies in a row; one copy, 9 bases deleted.
Protein change: p.1118PGP[2].
Molecular consequence: inframe deletion.
Genome position (GRCh38, 1-based): chr21:45,504,511-45,504,519, CGGCCCCCC deleted; deleting any 9 consecutive bases within chr21:45,504,500-45,504,519 gives the same sequence; the position shown is the placement nearest the transcript's 3' end. VCF-style (leftmost placement, unchanged base first): chr21-45504499-GCCCGGCCCC-G. GRCh37 (hg19) VCF-style: chr21-46924413-GCCCGGCCCC-G.
Other names: c.2814CGGCCCCCC[1], p.938PGP[3] (NM_001379500.1); c.4059CGGCCCCCC[1], p.1353PGP[2] (NM_130444.3).
Identifiers: ClinVar variation 4946645 (VCV004946645.2), dbSNP rs777010917.

ClinVar aggregate classification (germline): Likely benign. Review status: criteria provided, multiple submitters, no conflicts (2 of 4 stars). 2 submissions from 2 submitters: Likely benign (2). Last evaluated 2026-09-01.

Submissions (2):

CeGaT Center for Human Genetics Tuebingen
Classification: Likely benign. Last evaluated: 2026-09-01. Review status: criteria provided, single submitter. Criteria: CeGaT Center For Human Genetics Tuebingen Variant Classification Criteria Version 2. Collection method: clinical testing. Allele origin: germline. Affected: yes. Observed: 1 variant allele.
Comment: COL18A1: BS1

Blueprint Genetics
Classification: Likely benign. Last evaluated: 2024-11-25. Review status: criteria provided, single submitter. Criteria: ACMG Guidelines, 2015. Collection method: clinical testing. Allele origin: germline.